The following is an entry in ClinVar:

ClinVar aggregate classification (germline): Uncertain significance (1 of 4 stars; one submission).

Conditions:
Familial thoracic aortic aneurysm and aortic dissection (TAAD). Also called: Thoracic aortic aneurysms and dissections. Identifiers: Orphanet 91387, MedGen C4707243, MONDO:0019625.

Submission:

Color Diagnostics, LLC DBA Color Health
Classification: Uncertain significance for Familial thoracic aortic aneurysm and aortic dissection. Last evaluated: 2024-10-28. Review status: criteria provided, single submitter. Criteria: ACMG Guidelines, 2015. Collection method: clinical testing. Allele origin: germline.
Comment: This variant alters the intron 10 canonical splice acceptor site of the MYH11 gene. Splice prediction tools suggest that this variant may disrupt RNA splicing. To our knowledge, functional studies have not been reported for this variant. This variant has not been reported in individuals affected with MYH11-related disorders in the literature. This variant has not been identified in the general population by the Genome Aggregation Database (gnomAD). The role of loss-of-function MYH11 truncation and splice variants in autosomal dominant cardiovascular disorders is not clearly established. The available evidence is insufficient to determine the role of this variant in disease conclusively. Therefore, this variant is classified as a Variant of Uncertain Significance.

NM_002474.3(MYH11):c.1034-2A>C

Gene: MYH11 (myosin heavy chain 11; minus strand). Cytogenetic location: 16p13.11.
Variant type: single nucleotide variant.
Coding change: c.1034-2A>C on transcript NM_002474.3 (MANE Select); the canonical splice acceptor site of the intron before coding-DNA position 1034, A replaced by C.
Molecular consequence: splice acceptor variant.
Genome position (GRCh38, 1-based): chr16:15,763,893, T>G on the plus strand (A>C on the coding strand, the complement: MYH11 is on the minus strand). VCF-style: chr16-15763893-T-G. GRCh37 (hg19) VCF-style: chr16-15857750-T-G.
Other names: c.1034-2A>C (NM_022844.3); c.1055-2A>C (NM_001040114.2, NM_001040113.2).
Identifiers: ClinVar variation 3894121 (VCV003894121.1).